The following is an entry in ClinVar:

ClinVar aggregate classification (germline): Uncertain significance (1 of 4 stars; one submission).

Conditions:
Hereditary cancer-predisposing syndrome. Also called: Tumor predisposition; Hereditary neoplastic syndrome; Hereditary Cancer Syndrome; Neoplastic Syndromes, Hereditary. Identifiers: Orphanet 140162, MedGen C0027672, MeSH D009386, MONDO:0015356.

Submission:

Ambry Genetics
Classification: Uncertain significance for Hereditary cancer-predisposing syndrome. Last evaluated: 2023-12-10. Review status: criteria provided, single submitter. Criteria: Ambry Variant Classification Scheme 2023. Collection method: clinical testing. Allele origin: germline.
Comment: The p.A875V variant (also known as c.2624C>T), located in coding exon 12 of the BLM gene, results from a C to T substitution at nucleotide position 2624. The alanine at codon 875 is replaced by valine, an amino acid with similar properties. This amino acid position is conserved. In addition, this alteration is predicted to be tolerated by in silico analysis. Since supporting evidence is limited at this time, the clinical significance of this alteration remains unclear.

NM_000057.4(BLM):c.2624C>T (p.Ala875Val)

Gene: BLM (BLM RecQ like helicase; plus strand). Cytogenetic location: 15q26.1.
Variant type: single nucleotide variant.
Coding change: c.2624C>T on transcript NM_000057.4 (MANE Select); coding-DNA position 2624, C replaced by T.
Protein change: p.Ala875Val; replaces alanine 875 with valine.
Molecular consequence: missense variant.
Genome position (GRCh38, 1-based): chr15:90,782,890, C>T. VCF-style: chr15-90782890-C-T. GRCh37 (hg19) VCF-style: chr15-91326120-C-T.
Other names: c.2624C>T, p.Ala875Val (NM_001287246.2, NM_001287247.2); c.1499C>T, p.Ala500Val (NM_001287248.2); short protein forms A500V, A875V.
Identifiers: ClinVar variation 3224256 (VCV003224256.1), dbSNP rs1596250413, ClinGen allele CA393845741.